The following is an entry in ClinVar:

ClinVar aggregate classification (germline): Uncertain significance (1 of 4 stars; one submission).

Submission:

Labcorp Genetics (formerly Invitae), Labcorp
Classification: Uncertain significance. Last evaluated: 2022-07-06. Review status: criteria provided, single submitter. Criteria: Invitae Variant Classification Sherloc (09022015). Collection method: clinical testing. Allele origin: germline.
Comment: In summary, the available evidence is currently insufficient to determine the role of this variant in disease. Therefore, it has been classified as a Variant of Uncertain Significance. Algorithms developed to predict the effect of missense changes on protein structure and function (SIFT, PolyPhen-2, Align-GVGD) all suggest that this variant is likely to be tolerated. ClinVar contains an entry for this variant (Variation ID: 1476609). This variant has not been reported in the literature in individuals affected with SLC7A14-related conditions. This variant is not present in population databases (gnomAD no frequency). This sequence change replaces methionine, which is neutral and non-polar, with isoleucine, which is neutral and non-polar, at codon 22 of the SLC7A14 protein (p.Met22Ile).

NM_020949.3(SLC7A14):c.66G>A (p.Met22Ile)

Genes: SLC7A14 (solute carrier family 7 member 14; minus strand), SLC7A14-AS1 (SLC7A14 antisense RNA 1; plus strand). Cytogenetic location: 3q26.2.
Variant type: single nucleotide variant.
Coding change: c.66G>A on transcript NM_020949.3 (MANE Select); coding-DNA position 66, G replaced by A.
Protein change: p.Met22Ile; replaces methionine 22 with isoleucine.
Molecular consequence: missense variant.
Genome position (GRCh38, 1-based): chr3:170,526,871, C>T on the plus strand (G>A on the coding strand, the complement: SLC7A14 is on the minus strand). VCF-style: chr3-170526871-C-T. GRCh37 (hg19) VCF-style: chr3-170244660-C-T.
Other names: short protein forms M22I.
Identifiers: ClinVar variation 1476609 (VCV001476609.8), dbSNP rs2108293812, ClinGen allele CA355520296.